The following is an entry in ClinVar:

NM_000218.3(KCNQ1):c.1023G>A (p.Ala341=)

Gene: KCNQ1 (potassium voltage-gated channel subfamily Q member 1; plus strand). Cytogenetic location: 11p15.5.
Variant type: single nucleotide variant.
Coding change: c.1023G>A on transcript NM_000218.3 (MANE Select); coding-DNA position 1023, G replaced by A.
Protein change: p.Ala341=; no amino-acid change (alanine 341 retained).
Molecular consequence: synonymous variant.
Genome position (GRCh38, 1-based): chr11:2,583,536, G>A. VCF-style: chr11-2583536-G-A. GRCh37 (hg19) VCF-style: chr11-2604766-G-A.
Other names: c.1023G>A, p.Ala341= (NM_001406836.1); c.753G>A, p.Ala251= (NM_001406837.1); c.579G>A, p.Ala193= (NM_001406838.1); c.642G>A, p.Ala214= (NM_181798.2).
Identifiers: ClinVar variation 513323 (VCV000513323.16), dbSNP rs772363276, ClinGen allele CA026730.

ClinVar aggregate classification (germline): Likely benign. Review status: criteria provided, multiple submitters, no conflicts (2 of 4 stars). 5 submissions from 5 submitters: Likely benign (5). Last evaluated 2025-07-16.

Conditions:
Cardiac arrhythmia. Also called: Cardiac rhythm disease; Arrhythmia. Identifiers: MedGen C0003811, MONDO:0007263, HP:0011675.
Cardiovascular phenotype. Identifiers: MedGen CN230736.
Long QT syndrome (LQTS). Identifiers: MedGen C0023976, MeSH D008133, MONDO:0002442. Disease mechanism: loss of function. Inheritance: Various modes of inheritance.

Allele frequency attached by ClinVar (database versions not stated): gnomAD 0.00001; gnomAD exomes 0.00001 and 0.00002; ExAC 0.00003; TOPMed 0.00003.
gnomAD v4.1: 15 of 1,612,364 alleles (0.00093%); highest among the groups gnomAD compares: East Asian, 0.0045%; no homozygotes.

Submissions (5):

Labcorp Genetics (formerly Invitae), Labcorp
Classification: Likely benign for Long QT syndrome. Last evaluated: 2025-07-16. Review status: criteria provided, single submitter. Criteria: Invitae Variant Classification Sherloc (09022015). Collection method: clinical testing. Allele origin: germline.

All of Us Research Program, National Institutes of Health
Classification: Likely benign for Long QT syndrome. Last evaluated: 2023-11-20. Review status: criteria provided, single submitter. Criteria: ACMG Guidelines, 2015. Collection method: clinical testing. Allele origin: germline. Inheritance: Autosomal dominant inheritance. Observed: 3 variant alleles, 3 heterozygotes.
Comment: This study involves interpretation of variants in research participants for the purpose of population health screening. Participant phenotype was not available at the time of variant classification. Additional details can be found in publication PMID: 35346344, PMCID: PMC8962531

Color Diagnostics, LLC DBA Color Health
Classification: Likely benign for Arrhythmia. Last evaluated: 2019-06-18. Review status: criteria provided, single submitter. Criteria: ACMG Guidelines, 2015. Collection method: clinical testing. Allele origin: germline.

Ambry Genetics
Classification: Likely benign for Cardiovascular phenotype. Last evaluated: 2019-05-28. Review status: criteria provided, single submitter. Criteria: Ambry Variant Classification Scheme 2023. Collection method: clinical testing. Allele origin: germline.

GeneDx
Classification: Likely benign. Last evaluated: 2017-11-14. Review status: criteria provided, single submitter. Criteria: GeneDx Variant Classification (06012015). Collection method: clinical testing. Allele origin: germline. Affected: yes.
Comment: This variant is considered likely benign or benign based on one or more of the following criteria: it is a conservative change, it occurs at a poorly conserved position in the protein, it is predicted to be benign by multiple in silico algorithms, and/or has population frequency not consistent with disease.